The following is an entry in ClinVar:

NM_022168.4(IFIH1):c.1860A>G (p.Ile620Met)

Gene: IFIH1 (interferon induced with helicase C domain 1; minus strand). Cytogenetic location: 2q24.2.
Variant type: single nucleotide variant.
Coding change: c.1860A>G on transcript NM_022168.4 (MANE Select); coding-DNA position 1860, A replaced by G.
Protein change: p.Ile620Met; replaces isoleucine 620 with methionine.
Molecular consequence: missense variant.
Genome position (GRCh38, 1-based): chr2:162,277,599, T>C on the plus strand (A>G on the coding strand, the complement: IFIH1 is on the minus strand). VCF-style: chr2-162277599-T-C. GRCh37 (hg19) VCF-style: chr2-163134109-T-C.
Other names: c.1860A>G, p.Ile620Met (LRG_1235t1); c.1860A>G (NM_022168.2); short protein forms I620M.
Identifiers: ClinVar variation 648968 (VCV000648968.10), dbSNP rs752494417, ClinGen allele CA1934369.

ClinVar aggregate classification (germline): Likely benign. Review status: criteria provided, multiple submitters, no conflicts (2 of 4 stars). 3 submissions from 3 submitters: Likely benign (3). Last evaluated 2026-09-01.

Conditions:
Inborn genetic diseases. Identifiers: MedGen C0950123, MeSH D030342.
Singleton-Merten syndrome 1 (SGMRT1). Also called: Widened medullary cavities of bone, aortic calcification, abnormal dentition, and muscular weakness; Syndrome of widened medullary cavities of the metacarpals and phalanges, aortic calcification and abnormal dentition. Identifiers: Orphanet 85191, MedGen C4225427, MONDO:0024535, OMIM 182250.
Aicardi-Goutieres syndrome 7 (AGS7). Identifiers: Orphanet 51, MedGen C3888244, MONDO:0014367, OMIM 615846.

Allele frequency attached by ClinVar (database versions not stated): gnomAD 0.00002; TOPMed 0.00004; ExAC 0.00008; gnomAD exomes 0.00008.
gnomAD v4.1: 30 of 1,613,062 alleles (0.0019%); highest among the groups gnomAD compares: Admixed American, 0.042%; no homozygotes.

Submissions (3):

CeGaT Center for Human Genetics Tuebingen
Classification: Likely benign. Last evaluated: 2026-09-01. Review status: criteria provided, single submitter. Criteria: CeGaT Center For Human Genetics Tuebingen Variant Classification Criteria Version 2. Collection method: clinical testing. Allele origin: germline. Affected: yes. Observed: 1 variant allele.
Comment: IFIH1: BP4

Labcorp Genetics (formerly Invitae), Labcorp
Classification: Likely benign for Aicardi-Goutieres syndrome 7; Singleton-Merten syndrome 1. Last evaluated: 2026-01-27. Review status: criteria provided, single submitter. Criteria: Invitae Variant Classification Sherloc (09022015). Collection method: clinical testing. Allele origin: germline.

Ambry Genetics
Classification: Likely benign for Inborn genetic diseases. Last evaluated: 2024-11-21. Review status: criteria provided, single submitter. Criteria: Ambry Variant Classification Scheme 2023. Collection method: clinical testing. Allele origin: germline.